The following is an entry in ClinVar:

NM_000553.6(WRN):c.2887G>C (p.Ala963Pro)

Gene: WRN (WRN RecQ like helicase; plus strand). Cytogenetic location: 8p12.
Variant type: single nucleotide variant.
Coding change: c.2887G>C on transcript NM_000553.6 (MANE Select); coding-DNA position 2887, G replaced by C.
Protein change: p.Ala963Pro; replaces alanine 963 with proline.
Molecular consequence: missense variant.
Genome position (GRCh38, 1-based): chr8:31,132,426, G>C. VCF-style: chr8-31132426-G-C. GRCh37 (hg19) VCF-style: chr8-30989942-G-C.
Other names: short protein forms A963P.
Identifiers: ClinVar variation 2848002 (VCV002848002.3), dbSNP rs1228313718, ClinGen allele CA370919010.

ClinVar aggregate classification (germline): Uncertain significance (1 of 4 stars; one submission).

Conditions:
Werner syndrome (WRN). Identifiers: Orphanet 902, MedGen C0043119, MONDO:0010196, OMIM 277700.

Submission:

Labcorp Genetics (formerly Invitae), Labcorp
Classification: Uncertain significance for Werner syndrome. Last evaluated: 2023-03-21. Review status: criteria provided, single submitter. Criteria: Invitae Variant Classification Sherloc (09022015). Collection method: clinical testing. Allele origin: germline.
Comment: This sequence change replaces alanine, which is neutral and non-polar, with proline, which is neutral and non-polar, at codon 963 of the WRN protein (p.Ala963Pro). This variant is not present in population databases (gnomAD no frequency). This variant has not been reported in the literature in individuals affected with WRN-related conditions. An algorithm developed to predict the effect of missense changes on protein structure and function (PolyPhen-2) suggests that this variant is likely to be disruptive. In summary, the available evidence is currently insufficient to determine the role of this variant in disease. Therefore, it has been classified as a Variant of Uncertain Significance.